The following is an entry in ClinVar:

NM_000088.4(COL1A1):c.3541G>A (p.Gly1181Ser)

Gene: COL1A1 (collagen type I alpha 1 chain; minus strand). Cytogenetic location: 17q21.33.
Variant type: single nucleotide variant.
Coding change: c.3541G>A on transcript NM_000088.4 (MANE Select); coding-DNA position 3541, G replaced by A.
Protein change: p.Gly1181Ser; replaces glycine 1181 with serine.
Molecular consequence: missense variant.
Genome position (GRCh38, 1-based): chr17:50,186,913, C>T on the plus strand (G>A on the coding strand, the complement: COL1A1 is on the minus strand). VCF-style: chr17-50186913-C-T. GRCh37 (hg19) VCF-style: chr17-48264274-C-T.
Other names: G1003S; short protein forms G1181S.
Identifiers: ClinVar variation 17313 (VCV000017313.13), dbSNP rs72656330, ClinGen allele CA257869.

ClinVar aggregate classification (germline): Pathogenic/Likely pathogenic. Review status: criteria provided, multiple submitters, no conflicts (2 of 4 stars). 5 submissions from 5 submitters: Pathogenic (3); Likely pathogenic (1). 1 of the submissions does not count toward it. Last evaluated 2025-12-12.

Conditions:
Osteoporosis. Identifiers: MedGen C0029456, MONDO:0005298, OMIM 166710, HP:0000939.
Osteogenesis imperfecta, perinatal lethal (OI2). Also called: Osteogenesis imperfecta type 2; VROLIK TYPE OF OSTEOGENESIS IMPERFECTA; Osteogenesis imperfecta, dominant perinatal lethal; OSTEOGENESIS IMPERFECTA, TYPE II; OI, TYPE II; OSTEOGENESIS IMPERFECTA CONGENITA. Identifiers: Orphanet 216804, MedGen C0268358, MONDO:0008147, OMIM 166210.
Osteogenesis imperfecta type III (OI3). Also called: Osteogenesis imperfecta type 3; OI type 3; Osteogenesis imperfecta, progressively deforming with normal sclerae; OI type III; Progressively Deforming Osteogenesis Imperfecta. Identifiers: Orphanet 216812, Orphanet 666, MedGen C0268362, MONDO:0009804, OMIM 259420.
Infantile cortical hyperostosis. Also called: Caffey Disease; Hyperostosis, Cortical, Congenital; P1PK BLOOD GROUP SYSTEM, P(2) PHENOTYPE. Identifiers: Orphanet 1310, MedGen C0020497, MONDO:0007244, OMIM 114000.
Combined osteogenesis imperfecta and Ehlers-Danlos syndrome 1. Also called: OIEDS SYNDROME 1. Identifiers: MedGen C5436842, MONDO:0030854, OMIM 619115.
Osteogenesis imperfecta type I (OI1). Also called: Lobstein disease; Classic Non-deforming Osteogenesis Imperfecta with Blue Sclerae; Lobstein's Disease; Osteogenesis imperfecta type 1; OI, TYPE I; OSTEOGENESIS IMPERFECTA TARDA. Identifiers: Orphanet 216796, Orphanet 666, MedGen C0023931, MONDO:0008146, OMIM 166200. Disease mechanism: loss of function.
Ehlers-Danlos syndrome, arthrochalasia type. Also called: EDS VII, MUTANT PROCOLLAGEN TYPE; EDS VIIA; Ehlers-Danlos syndrome, arthrochalasia type, 1; ARTHROCHALASIS MULTIPLEX CONGENITA; Ehlers-Danlos syndrome, arthrochalasis type. Identifiers: Orphanet 1899, Orphanet 99875, Orphanet 99876, MedGen C4551623, MONDO:0007525, OMIM 130060.
Osteogenesis imperfecta with normal sclerae, dominant form (OI4). Also called: Osteogenesis Imperfecta Type IV; Common Variable Osteogenesis Imperfecta with Normal Sclerae; Osteogenesis imperfecta type 4; OSTEOGENESIS IMPERFECTA, TYPE IV, WITH DENTINOGENESIS IMPERFECTA; OSTEOGENESIS IMPERFECTA WITH NORMAL SCLERAE. Identifiers: Orphanet 216820, Orphanet 666, MedGen C0268363, MONDO:0008148, OMIM 166220.

Allele frequency attached by ClinVar (database versions not stated): ExAC 0.00001.

Submissions (5):

Variantyx, Inc.
Classification: Pathogenic for Osteogenesis imperfecta, perinatal lethal. Last evaluated: 2025-12-12. Review status: criteria provided, single submitter. Criteria: Variantyx Assertion Criteria 2022. Collection method: clinical testing. Allele origin: de novo. Inheritance: Autosomal dominant inheritance. Affected: yes.
Comment: This is a nonsynonymous variant in the COL1A1 gene (OMIM: 120150). Pathogenic variants in this gene have been associated with autosomal dominant osteogenesis imperfecta type II. This variant has been reported in at least two unrelated affected individuals with osteogenesis imperfecta type II (PMID: 2037280) (PS4_Moderate). It lies within a known hotspot for pathogenic variants or a well-established critical functional domain of the COL1A1 protein (PMID: 21912751) (PM1), and multiple computational algorithms predict a deleterious effect for this variant (REVEL score: 0.928) (PP3). This variant is absent from control populations (PM2). Based on the current evidence, this variant is classified as pathogenic for autosomal dominant osteogenesis imperfecta type II.

Baylor Genetics
Classification: Pathogenic for Osteogenesis imperfecta type I. Last evaluated: 2023-12-27. Review status: criteria provided, single submitter. Criteria: ACMG Guidelines, 2015. Collection method: clinical testing. Allele origin: unknown.

ARUP Laboratories, Molecular Genetics and Genomics, ARUP Laboratories
Classification: Likely pathogenic. Last evaluated: 2020-01-27. Review status: criteria provided, single submitter. Criteria: ARUP Molecular Germline Variant Investigation Process. Collection method: clinical testing. Allele origin: germline.
Comment: The COL1A1 c.3541G>A; p.Gly1181Ser variant (rs72656330) is reported in the literature in an individual affected with osteogenesis imperfecta (Pruchno 1991). This variant is absent from general population databases (Exome Variant Server, Genome Aggregation Database), indicating it is not a common polymorphism. The glycine at codon 1181 is highly conserved, and computational analyses (SIFT, PolyPhen-2) predict that this variant is deleterious. This codon is located in a triple helix repeat domain, and glycine substitutions are the most frequent pathogenic alterations in this region (Ben Amor 2011). Based on available information, this variant is considered to be likely pathogenic. References: Ben Amor I et al. Genotype-phenotype correlations in autosomal dominant osteogenesis imperfecta. J Osteoporos. 2011; 2011:540178. Pruchno CJ et al. Osteogenesis imperfecta due to recurrent point mutations at CpG dinucleotides in the COL1A1 gene of type I collagen. Hum Genet. 1991 May;87(1):33-40.

Juno Genomics, Hangzhou Juno Genomics, Inc
Classification: Pathogenic for Osteoporosis; Infantile cortical hyperostosis; Combined osteogenesis imperfecta and Ehlers-Danlos syndrome 1; Ehlers-Danlos syndrome, arthrochalasia type; Osteogenesis imperfecta type I; Osteogenesis imperfecta, perinatal lethal; Osteogenesis imperfecta type III; Osteogenesis imperfecta with normal sclerae, dominant form. Review status: criteria provided, single submitter. Criteria: ACMG Guidelines, 2015. Collection method: clinical testing. Allele origin: germline. Affected: yes.
Comment: Absent from controls (or at extremely low frequency if recessive) in Genome Aggregation Database, Exome Sequencing Project, 1000 Genomes Project, or Exome Aggregation Consortium.;The prevalence of the variant in affected individuals is significantly increased compared to the prevalence in controls.;De novo (both maternity and paternity confirmed) in a patient with the disease and no family history.;Missense variant in a gene that has a low rate of benign missense variation and where missense variants are a common mechanism of disease.;Multiple lines of computational evidence support a deleterious effect on the gene or gene product (conservation, evolutionary, splicing impact, etc).;Located in a mutational hot spot and/or critical and well-established functional domain (e.g. active site of an enzyme) without benign variation.

OMIM
Classification: Pathogenic for OSTEOGENESIS IMPERFECTA, TYPE II. Last evaluated: 1996-01-11. Review status: no assertion criteria provided. Collection method: literature only. Allele origin: germline. Not counted in ClinVar's aggregate classification.

Literature cited by the submitters: PubMed 2037280 (cited by Variantyx, Inc. and OMIM); PubMed 33942288 (cited by Variantyx, Inc.); PubMed 37810882 (cited by Variantyx, Inc.); PubMed 21912751 (cited by Variantyx, Inc.); PubMed 8669434 (cited by OMIM); PubMed 2894346 (cited by OMIM); PubMed 8100856 (cited by OMIM).